The following is an entry in ClinVar:

NM_003835.4(RGS9):c.232G>A (p.Val78Ile)

Gene: RGS9 (regulator of G protein signaling 9; plus strand). Cytogenetic location: 17q24.1.
Variant type: single nucleotide variant.
Coding change: c.232G>A on transcript NM_003835.4 (MANE Select); coding-DNA position 232, G replaced by A.
Protein change: p.Val78Ile; replaces valine 78 with isoleucine.
Molecular consequence: missense variant.
Genome position (GRCh38, 1-based): chr17:65,160,259, G>A. VCF-style: chr17-65160259-G-A. GRCh37 (hg19) VCF-style: chr17-63156377-G-A.
Other names: c.232G>A (NM_003835.3); c.232G>A, p.Val78Ile (NM_001081955.3, NM_001165933.2); short protein forms V78I.
Identifiers: ClinVar variation 998511 (VCV000998511.7), dbSNP rs570825977, ClinGen allele CA8717555.

ClinVar aggregate classification (germline): Uncertain significance. Review status: criteria provided, multiple submitters, no conflicts (2 of 4 stars). 3 submissions from 3 submitters: Uncertain significance (3). Last evaluated 2024-09-16.

Conditions:
Inborn genetic diseases. Identifiers: MedGen C0950123, MeSH D030342.

Allele frequency attached by ClinVar (database versions not stated): ExAC 0.00002; TOPMed 0.00002.
gnomAD v4.1: 30 of 1,614,148 alleles (0.0019%); highest among the groups gnomAD compares: Middle Eastern, 0.066%; no homozygotes.

Submissions (3):

Blueprint Genetics
Classification: Uncertain significance. Last evaluated: 2024-09-16. Review status: criteria provided, single submitter. Criteria: ACMG Guidelines, 2015. Collection method: clinical testing. Allele origin: germline.

Labcorp Genetics (formerly Invitae), Labcorp
Classification: Uncertain significance. Last evaluated: 2022-08-22. Review status: criteria provided, single submitter. Criteria: Invitae Variant Classification Sherloc (09022015). Collection method: clinical testing. Allele origin: germline.
Comment: This sequence change replaces valine, which is neutral and non-polar, with isoleucine, which is neutral and non-polar, at codon 78 of the RGS9 protein (p.Val78Ile). This variant is present in population databases (rs570825977, gnomAD 0.005%). This variant has not been reported in the literature in individuals affected with RGS9-related conditions. ClinVar contains an entry for this variant (Variation ID: 998511). Algorithms developed to predict the effect of missense changes on protein structure and function are either unavailable or do not agree on the potential impact of this missense change (SIFT: "Deleterious"; PolyPhen-2: "Probably Damaging"; Align-GVGD: "Class C0"). In summary, the available evidence is currently insufficient to determine the role of this variant in disease. Therefore, it has been classified as a Variant of Uncertain Significance.

Ambry Genetics
Classification: Uncertain significance for Inborn genetic diseases. Last evaluated: 2021-08-12. Review status: criteria provided, single submitter. Criteria: Ambry Variant Classification Scheme 2023. Collection method: clinical testing. Allele origin: germline.